The following is an entry in ClinVar:

NM_000222.3(KIT):c.791A>T (p.His264Leu)

Gene: KIT (KIT proto-oncogene, receptor tyrosine kinase; plus strand). Cytogenetic location: 4q12.
Variant type: single nucleotide variant.
Coding change: c.791A>T on transcript NM_000222.3 (MANE Select); coding-DNA position 791, A replaced by T.
Protein change: p.His264Leu; replaces histidine 264 with leucine.
Molecular consequence: missense variant.
Genome position (GRCh38, 1-based): chr4:54,703,758, A>T. VCF-style: chr4-54703758-A-T. GRCh37 (hg19) VCF-style: chr4-55569924-A-T.
Other names: c.791A>T, p.His264Leu (NM_001093772.2, NM_001385285.1, NM_001385286.1); c.794A>T, p.His265Leu (NM_001385284.1, NM_001385288.1, NM_001385290.1 and 1 more transcripts); short protein forms H265L, H264L.
Identifiers: ClinVar variation 1761210 (VCV001761210.2), dbSNP rs2475469245, ClinGen allele CA356899402.

ClinVar aggregate classification (germline): Uncertain significance (1 of 4 stars; one submission).

Conditions:
Hereditary cancer-predisposing syndrome. Also called: Neoplastic Syndromes, Hereditary; Tumor predisposition; Hereditary Cancer Syndrome; Hereditary neoplastic syndrome. Identifiers: Orphanet 140162, MedGen C0027672, MeSH D009386, MONDO:0015356.

Submission:

Ambry Genetics
Classification: Uncertain significance for Hereditary cancer-predisposing syndrome. Last evaluated: 2022-04-01. Review status: criteria provided, single submitter. Criteria: Ambry Variant Classification Scheme 2023. Collection method: clinical testing. Allele origin: germline.
Comment: The p.H264L variant (also known as c.791A>T), located in coding exon 5 of the KIT gene, results from an A to T substitution at nucleotide position 791. The histidine at codon 264 is replaced by leucine, an amino acid with similar properties. This amino acid position is conserved. In addition, this alteration is predicted to be tolerated by in silico analysis. Since supporting evidence is limited at this time, the clinical significance of this alteration remains unclear.